The following is an entry in ClinVar:

ClinVar aggregate classification (germline): Likely pathogenic (1 of 4 stars; one submission).

Conditions:
Dilated cardiomyopathy 1G (CMD1G). Identifiers: Orphanet 154, MedGen C1858763, MONDO:0011400, OMIM 604145.
Autosomal recessive limb-girdle muscular dystrophy type 2J (LGMDR10). Also called: Limb-girdle muscular dystrophy, type 2J; MUSCULAR DYSTROPHY, LIMB-GIRDLE, AUTOSOMAL RECESSIVE 10. Identifiers: Orphanet 140922, MedGen C1837342, MONDO:0012127, OMIM 608807.

Submission:

Labcorp Genetics (formerly Invitae), Labcorp
Classification: Likely pathogenic for Dilated cardiomyopathy 1G; Autosomal recessive limb-girdle muscular dystrophy type 2J. Last evaluated: 2019-02-13. Review status: criteria provided, single submitter. Criteria: Invitae Variant Classification Sherloc (09022015). Collection method: clinical testing. Allele origin: germline.
Comment: This variant is not present in population databases (ExAC no frequency). This sequence change results in a premature translational stop signal in the TTN gene (p.Arg23709Lysfs*4). While this is not anticipated to result in nonsense mediated decay, it is expected to create a truncated TTN protein. This variant has not been reported in the literature in individuals with TTN-related conditions. In summary, the currently available evidence indicates that the variant is pathogenic, but additional data are needed to prove that conclusively. Therefore, this variant has been classified as Likely Pathogenic. This variant is located in the A band of TTN (PMID: 25589632). Truncating variants in this region are significantly overrepresented in patients affected with dilated cardiomyopathy (PMID: 25589632). Truncating variants in this region have also been reported in individuals affected with autosomal recessive centronuclear myopathy (PMID: 23975875).

Literature cited by the submitters: PubMed 25589632; PubMed 23975875.

NM_001267550.2(TTN):c.71126_71127delinsA (p.Arg23709fs)

Genes: TTN (titin; minus strand), TTN-AS1 (TTN antisense RNA 1; plus strand). Cytogenetic location: 2q31.2.
Variant type: Indel.
Coding change: c.71126_71127delinsA on transcript NM_001267550.2 (MANE Select); coding-DNA positions 71126 to 71127, GG replaced by A.
Protein change: p.Arg23709fs; shifts the reading frame from arginine 23709.
Molecular consequence: frameshift variant.
Genome position (GRCh38, 1-based): chr2:178,575,005-178,575,006, CC replaced by T on the plus strand (GG replaced by A on the coding strand, the reverse complement: TTN is on the minus strand). VCF-style: chr2-178575005-CC-T. GRCh37 (hg19) VCF-style: chr2-179439732-CC-T.
Other names: c.66203_66204delinsA, p.Arg22068fs (NM_001256850.1); c.43931_43932delinsA, p.Arg14644fs (NM_003319.4); c.63422_63423delinsA, p.Arg21141fs (NM_133378.4); c.44306_44307delinsA, p.Arg14769fs (NM_133432.3); c.44507_44508delinsA, p.Arg14836fs (NM_133437.4); short protein forms R23709fs, R14644fs, R22068fs, R14836fs, R14769fs, R21141fs.
Identifiers: ClinVar variation 972384 (VCV000972384.6), dbSNP rs1709548356, ClinGen allele CA1139657511.
Genomic context (GRCh38, chr2:178,575,005, plus strand): 5'-TGGCCCTGGGATATCATGGACTTGAATGGTGATGACATCACCAACCTCTCCTACAATGTT[CC>T]TTGCTGTTAATGGATAGGGCCCACTATCACTTCTGACACACTCATTGATATTTAAAATGG-3'